The following is an entry in ClinVar:

NM_025103.4(IFT74):c.1750G>T (p.Ala584Ser)

Gene: IFT74 (intraflagellar transport 74; plus strand). Cytogenetic location: 9p21.2.
Variant type: single nucleotide variant.
Coding change: c.1750G>T on transcript NM_025103.4 (MANE Select); coding-DNA position 1750, G replaced by T.
Protein change: p.Ala584Ser; replaces alanine 584 with serine.
Molecular consequence: missense variant. On other transcripts: 3 prime UTR variant (1).
Genome position (GRCh38, 1-based): chr9:27,062,683, G>T. VCF-style: chr9-27062683-G-T. GRCh37 (hg19) VCF-style: chr9-27062681-G-T.
Other names: c.1750G>T (NM_025103.2); c.1750G>T, p.Ala584Ser (NM_001099222.3, NM_001099223.3); c.*686G>T (NM_001349928.2); short protein forms A584S.
Identifiers: ClinVar variation 1899687 (VCV001899687.4), dbSNP rs200034431, ClinGen allele CA5015776.
Genomic context (GRCh38, chr9:27,062,683, plus strand): 5'-GCAACCAAGAGTCAAGAGAGTGATTACCAGCCAATTAAGAAAAATGTGACCAAGCAGATT[G>T]CAGAGTACAATAAAACCATCGTGGATGCTTTACATAGCACCAGCGGAAACTGAGTTTAAG-3'
Protein context (NP_079379.2, residues 574-594): PIKKNVTKQI[Ala584Ser]EYNKTIVDAL

ClinVar aggregate classification (germline): Uncertain significance. Review status: criteria provided, multiple submitters, no conflicts (2 of 4 stars). 2 submissions from 2 submitters: Uncertain significance (2). Last evaluated 2026-09-23.

Conditions:
IFT74-related disorder. Also called: IFT74-Related Disorders; IFT74-related condition.

Allele frequency attached by ClinVar (database versions not stated): ExAC 0.00003; gnomAD 0.00003; TOPMed 0.00003; gnomAD exomes 0.00004.
gnomAD v4.1: 59 of 1,609,832 alleles (0.0037%); highest among the groups gnomAD compares: Non-Finnish European, 0.0046%; no homozygotes.

Submissions (2):

PreventionGenetics, part of Exact Sciences
Classification: Uncertain significance for IFT74-related condition. Last evaluated: 2026-09-23. Review status: criteria provided, single submitter. Criteria: ACMG Guidelines, 2015. Collection method: clinical testing. Allele origin: germline.
Comment: The IFT74 c.1750G>T variant is predicted to result in the amino acid substitution p.Ala584Ser. To our knowledge, this variant has not been reported in the literature. This variant is reported in 0.0070% of alleles in individuals of European (Non-Finnish) descent in gnomAD. At this time, the clinical significance of this variant is uncertain due to the absence of conclusive functional and genetic evidence.

Labcorp Genetics (formerly Invitae), Labcorp
Classification: Uncertain significance. Last evaluated: 2025-11-01. Review status: criteria provided, single submitter. Criteria: Invitae Variant Classification Sherloc (09022015). Collection method: clinical testing. Allele origin: germline.
Comment: This sequence change replaces alanine, which is neutral and non-polar, with serine, which is neutral and polar, at codon 584 of the IFT74 protein (p.Ala584Ser). This variant is present in population databases (rs200034431, gnomAD 0.006%). This variant has not been reported in the literature in individuals affected with IFT74-related conditions. ClinVar contains an entry for this variant (Variation ID: 1899687). An algorithm developed to predict the effect of missense changes on protein structure and function outputs the following: PolyPhen-2: "Benign". The serine amino acid residue is found in multiple mammalian species, which suggests that this missense change does not adversely affect protein function. In summary, the available evidence is currently insufficient to determine the role of this variant in disease. Therefore, it has been classified as a Variant of Uncertain Significance.